The following is an entry in ClinVar:

NC_000016.10:g.88342678_88348626del

Gene: ZNF469 (zinc finger protein 469; plus strand). Cytogenetic location: 16q24.2.
Variant type: Deletion.
Genome position: GRCh38: chr16:88,342,678-88,348,626. GRCh37 (hg19): chr16:88,376,284-88,382,232.
Other names: NM_000135.2:c.1359+3097_1626+501del.
Identifiers: ClinVar variation 974113 (VCV000974113.2), ClinGen allele CA1139664860.

ClinVar aggregate classification (germline): Pathogenic (0 of 4 stars; one submission).

Conditions:
Fanconi anemia complementation group A (FANCA). Also called: Fanconi anemia, group A; FANCA-Related Fanconi Anemia. Identifiers: Orphanet 84, MedGen C3469521, MONDO:0009215, OMIM 227650.

Submission:

Leiden Open Variation Database
Classification: Pathogenic for Fanconi anemia complementation group A. Last evaluated: 2020-02-28. Review status: no assertion criteria provided. Collection method: curation. Allele origin: germline. Affected: yes.
Comment: Curator: Arleen D. Auerbach. Submitter to LOVD: Arleen D. Auerbach.

Literature cited by the submitters: PubMed 25168418.